The following is an entry in ClinVar:

NM_001042492.3(NF1):c.4578-12dup

Gene: NF1 (neurofibromin 1; plus strand). Cytogenetic location: 17q11.2.
Variant type: Duplication.
Coding change: c.4578-12dup on transcript NM_001042492.3 (MANE Select); 12 bases into the intron before coding-DNA position 4578, one base duplicated (T; older notation c.4578-12dupT).
Molecular consequence: intron variant.
Genome position (GRCh38, 1-based): chr17:31,261,699, T duplicated; the last of 3 consecutive T bases (chr17:31,261,697-31,261,699); duplicating any one gives the same sequence. VCF-style (leftmost placement, unchanged base first): chr17-31261696-G-GT. GRCh37 (hg19) VCF-style: chr17-29588714-G-GT.
Other names: c.4515-12dup (NM_000267.4).
Identifiers: ClinVar variation 803362 (VCV000803362.2), dbSNP rs1597748630, ClinGen allele CA915949657.

ClinVar aggregate classification (germline): Conflicting classifications of pathogenicity. Review status: criteria provided, conflicting classifications (1 of 4 stars). 2 submissions from 2 submitters: Uncertain significance (1); Benign (1). Last evaluated 2024-10-14.

Conditions:
Neurofibromatosis, type 1 (NF1). Also called: Peripheral type neurofibromatosis; NEUROFIBROMATOSIS, TYPE I, SOMATIC; Neurofibromatosis, type I; VON RECKLINGHAUSEN DISEASE. Identifiers: Orphanet 636, MedGen C0027831, MONDO:0018975, OMIM 162200. Disease mechanism: loss of function.

Submissions (2):

GeneDx
Classification: Uncertain significance. Last evaluated: 2024-10-14. Review status: criteria provided, single submitter. Criteria: GeneDx Variant Classification Process June 2021. Collection method: clinical testing. Allele origin: germline. Affected: yes.
Comment: Not observed at significant frequency in large population cohorts (gnomAD); Has not been previously published as pathogenic or benign to our knowledge; In silico analysis is inconclusive as to whether the variant alters gene splicing. In the absence of RNA/functional studies, the actual effect of this sequence change is unknown.

Mendelics
Classification: Benign for Neurofibromatosis, type 1. Last evaluated: 2019-05-28. Review status: criteria provided, single submitter. Criteria: Mendelics Assertion Criteria 2017. Collection method: clinical testing. Allele origin: unknown.